The following is an entry in ClinVar:

NM_004168.4(SDHA):c.457C>T (p.Leu153=)

Gene: SDHA (succinate dehydrogenase complex flavoprotein subunit A; plus strand). Cytogenetic location: 5p15.33.
Variant type: single nucleotide variant.
Coding change: c.457C>T on transcript NM_004168.4 (MANE Select); coding-DNA position 457, C replaced by T.
Protein change: p.Leu153=; no amino-acid change (leucine 153 retained).
Molecular consequence: synonymous variant.
Genome position (GRCh38, 1-based): chr5:225,883, C>T. VCF-style: chr5-225883-C-T. GRCh37 (hg19) VCF-style: chr5-225998-C-T.
Other names: c.313C>T, p.Leu105= (NM_001294332.2); c.457C>T, p.Leu153= (NM_001330758.2).
Identifiers: ClinVar variation 1741623 (VCV001741623.7), dbSNP rs1200591418, ClinGen allele CA442691083.
Genomic context (GRCh38, chr5:225,883, plus strand): 5'-CTGCGAATATCTTGACTCCTTTAAGGTGTTAAGGTTTTTGTTTGTTTTTATCTTTCACAG[C>T]TAGAAAATTATGGCATGCCGTTTAGCAGAACTGAAGATGGGAAGATTTATCAGCGTGCAT-3'
Protein context (NP_004159.2, residues 143-163): TEQAPAAVVE[Leu153=]ENYGMPFSRT

ClinVar aggregate classification (germline): Conflicting classifications of pathogenicity. Review status: criteria provided, conflicting classifications (1 of 4 stars). 2 submissions from 2 submitters: Uncertain significance (1); Likely benign (1). Last evaluated 2025-10-29.

Conditions:
Mitochondrial complex II deficiency, nuclear type 1. Also called: SUCCINATE CoQ REDUCTASE DEFICIENCY. Identifiers: Orphanet 3208, MedGen C5700310, MONDO:0100294, OMIM 252011.
Pheochromocytoma/paraganglioma syndrome 5. Also called: Paragangliomas 5; SDHA-Related Hereditary Paraganglioma-Pheochromocytoma Syndrome. Identifiers: Orphanet 29072, MedGen C3279992, MONDO:0013602, OMIM 614165.
Hereditary cancer-predisposing syndrome. Also called: Hereditary Cancer Syndrome; Hereditary neoplastic syndrome; Neoplastic Syndromes, Hereditary; Tumor predisposition. Identifiers: Orphanet 140162, MedGen C0027672, MeSH D009386, MONDO:0015356.

gnomAD v4.1: 14 of 1,612,572 alleles (0.00087%); highest among the groups gnomAD compares: Non-Finnish European, 0.0012%; no homozygotes.

Submissions (2):

Labcorp Genetics (formerly Invitae), Labcorp
Classification: Uncertain significance for Pheochromocytoma/paraganglioma syndrome 5; Mitochondrial complex II deficiency, nuclear type 1. Last evaluated: 2025-10-29. Review status: criteria provided, single submitter. Criteria: Invitae Variant Classification Sherloc (09022015). Collection method: clinical testing. Allele origin: germline.
Comment: This sequence change affects codon 153 of the SDHA mRNA. It is a 'silent' change, meaning that it does not change the encoded amino acid sequence of the SDHA protein. It affects a nucleotide within the consensus splice site. This variant is present in population databases (no rsID available, gnomAD 0.0009%). This variant has not been reported in the literature in individuals affected with SDHA-related conditions. ClinVar contains an entry for this variant (Variation ID: 1741623). Algorithms developed to predict the effect of sequence changes on RNA splicing suggest that this variant is not likely to affect RNA splicing. In summary, the available evidence is currently insufficient to determine the role of this variant in disease. Therefore, it has been classified as a Variant of Uncertain Significance.

Ambry Genetics
Classification: Likely benign for Hereditary cancer-predisposing syndrome. Last evaluated: 2021-01-21. Review status: criteria provided, single submitter. Criteria: Ambry Variant Classification Scheme 2023. Collection method: clinical testing. Allele origin: germline.